The following is an entry in ClinVar:

ClinVar aggregate classification (germline): Benign. Review status: criteria provided, multiple submitters, no conflicts (2 of 4 stars). 4 submissions from 4 submitters: Benign (4). Last evaluated 2021-07-01.

Conditions:
Glycogen storage disease, type V (GSD5). Also called: MCARDLE DISEASE; MUSCLE GLYCOGEN PHOSPHORYLASE DEFICIENCY; MYOPHOSPHORYLASE DEFICIENCY; PYGM DEFICIENCY; McArdle type glycogen storage disease. Identifiers: Orphanet 368, MedGen C0017924, MONDO:0009293, OMIM 232600.

Allele frequency attached by ClinVar (database versions not stated): TOPMed 0.22429; 1000 Genomes Project 0.27636; 1000 Genomes Project 30x 0.28092; gnomAD exomes 0.12457 and 0.18286; ExAC 0.17692; ESP Exome Variant Server 0.19040; gnomAD 0.20413 and 0.20640.
gnomAD v4.1: 213,488 of 1,607,264 alleles (13%); highest among the groups gnomAD compares: East Asian, 40%; 20,527 homozygotes.

Submissions (4):

Genome-Nilou Lab
Classification: Benign for Glycogen storage disease, type V. Last evaluated: 2021-07-01. Review status: criteria provided, single submitter. Criteria: ACMG Guidelines, 2015. Collection method: clinical testing. Allele origin: germline. Affected: no.

GeneDx
Classification: Benign. Last evaluated: 2018-06-19. Review status: criteria provided, single submitter. Criteria: GeneDx Variant Classification (06012015). Collection method: clinical testing. Allele origin: germline. Affected: yes.
Comment: This variant is considered likely benign or benign based on one or more of the following criteria: it is a conservative change, it occurs at a poorly conserved position in the protein, it is predicted to be benign by multiple in silico algorithms, and/or has population frequency not consistent with disease.

Breakthrough Genomics
Classification: Benign. Review status: criteria provided, single submitter. Criteria: ACMG Guidelines, 2015. Collection method: not provided. Allele origin: germline. Inheritance: Autosomal recessive inheritance. Affected: yes.

PreventionGenetics, part of Exact Sciences
Classification: Benign. Review status: criteria provided, single submitter. Criteria: ACMG Guidelines, 2015. Collection method: clinical testing. Allele origin: germline.

NM_005609.4(PYGM):c.243+48A>G

Gene: PYGM (glycogen phosphorylase, muscle associated; minus strand). Cytogenetic location: 11q13.1.
Variant type: single nucleotide variant.
Coding change: c.243+48A>G on transcript NM_005609.4 (MANE Select); 48 bases into the intron after coding-DNA position 243, A replaced by G.
Molecular consequence: intron variant.
Genome position (GRCh38, 1-based): chr11:64,759,608, T>C on the plus strand (A>G on the coding strand, the complement: PYGM is on the minus strand). VCF-style: chr11-64759608-T-C. GRCh37 (hg19) VCF-style: chr11-64527080-T-C.
Other names: c.243+48A>G (NM_001164716.1).
Identifiers: ClinVar variation 259835 (VCV000259835.6), dbSNP rs477549, ClinGen allele CA6080329.